The following is an entry in ClinVar:

NM_005732.4(RAD50):c.3442C>G (p.Arg1148Gly)

Genes: TH2LCRR (T helper type 2 locus control region associated RNA; minus strand), TH2-LCR (Th2 cytokine locus control region; plus strand), RAD50 (RAD50 double strand break repair protein; plus strand). Cytogenetic location: 5q31.1.
Variant type: single nucleotide variant.
Coding change: c.3442C>G on transcript NM_005732.4 (MANE Select); coding-DNA position 3442, C replaced by G.
Protein change: p.Arg1148Gly; replaces arginine 1148 with glycine.
Molecular consequence: missense variant.
Genome position (GRCh38, 1-based): chr5:132,637,167, C>G. VCF-style: chr5-132637167-C-G. GRCh37 (hg19) VCF-style: chr5-131972859-C-G.
Other names: short protein forms R1148G.
Identifiers: ClinVar variation 823776 (VCV000823776.7), dbSNP rs746841895, ClinGen allele CA3405576.

ClinVar aggregate classification (germline): Uncertain significance. Review status: criteria provided, multiple submitters, no conflicts (2 of 4 stars). 2 submissions from 2 submitters: Uncertain significance (2). Last evaluated 2023-02-27.

Conditions:
Hereditary cancer-predisposing syndrome. Also called: Neoplastic Syndromes, Hereditary; Tumor predisposition; Hereditary neoplastic syndrome; Hereditary Cancer Syndrome. Identifiers: Orphanet 140162, MedGen C0027672, MeSH D009386, MONDO:0015356.

Allele frequency attached by ClinVar (database versions not stated): gnomAD exomes below 0.00001.
gnomAD v4.1: 1 of 1,611,578 alleles (0.000062%); highest among the groups gnomAD compares: East Asian, 0.0022%; no homozygotes.

Submissions (2):

Labcorp Genetics (formerly Invitae), Labcorp
Classification: Uncertain significance for Hereditary cancer-predisposing syndrome. Last evaluated: 2023-02-27. Review status: criteria provided, single submitter. Criteria: Invitae Variant Classification Sherloc (09022015). Collection method: clinical testing. Allele origin: germline.
Comment: This sequence change replaces arginine, which is basic and polar, with glycine, which is neutral and non-polar, at codon 1148 of the RAD50 protein (p.Arg1148Gly). This variant is present in population databases (rs746841895, gnomAD 0.006%). This variant has not been reported in the literature in individuals affected with RAD50-related conditions. ClinVar contains an entry for this variant (Variation ID: 823776). Advanced modeling of protein sequence and biophysical properties (such as structural, functional, and spatial information, amino acid conservation, physicochemical variation, residue mobility, and thermodynamic stability) has been performed at Invitae for this missense variant, however the output from this modeling did not meet the statistical confidence thresholds required to predict the impact of this variant on RAD50 protein function. In summary, the available evidence is currently insufficient to determine the role of this variant in disease. Therefore, it has been classified as a Variant of Uncertain Significance.

Ambry Genetics
Classification: Uncertain significance for Hereditary cancer-predisposing syndrome. Last evaluated: 2019-04-24. Review status: criteria provided, single submitter. Criteria: Ambry Variant Classification Scheme 2023. Collection method: clinical testing. Allele origin: germline.
Comment: The p.R1148G variant (also known as c.3442C>G), located in coding exon 22 of the RAD50 gene, results from a C to G substitution at nucleotide position 3442. The arginine at codon 1148 is replaced by glycine, an amino acid with dissimilar properties. This amino acid position is highly conserved in available vertebrate species. In addition, this alteration is predicted to be deleterious by in silico analysis. Since supporting evidence is limited at this time, the clinical significance of this alteration remains unclear.